The following is an entry in ClinVar:

ClinVar aggregate classification (germline): Benign. Review status: criteria provided, multiple submitters, no conflicts (2 of 4 stars). 4 submissions from 4 submitters: Benign (4). Last evaluated 2026-02-03.

Conditions:
Ichthyosis bullosa of Siemens (IBS). Also called: Superficial epidermolytic ichthyosis. Identifiers: Orphanet 455, MedGen C0432306, MONDO:0007813, OMIM 146800.

Allele frequency attached by ClinVar (database versions not stated): gnomAD exomes 0.07383; ExAC 0.10359; gnomAD 0.11930 and 0.11972; ESP Exome Variant Server 0.26700; TOPMed 0.29121; 1000 Genomes Project 0.37560.
gnomAD v4.1: 125,277 of 1,595,092 alleles (7.9%); highest among the groups gnomAD compares: African/African-American, 23%; 6,525 homozygotes.

Submissions (4):

Labcorp Genetics (formerly Invitae), Labcorp
Classification: Benign. Last evaluated: 2026-02-03. Review status: criteria provided, single submitter. Criteria: Invitae Variant Classification Sherloc (09022015). Collection method: clinical testing. Allele origin: germline.

GeneDx
Classification: Benign. Last evaluated: 2018-11-12. Review status: criteria provided, single submitter. Criteria: GeneDx Variant Classification Process June 2021. Collection method: clinical testing. Allele origin: germline. Affected: yes.

Illumina Laboratory Services, Illumina
Classification: Benign for Ichthyosis bullosa of Siemens. Last evaluated: 2018-01-13. Review status: criteria provided, single submitter. Criteria: ICSL Variant Classification Criteria 13 December 2019. Collection method: clinical testing. Allele origin: germline.
Comment: This variant was observed in the ICSL laboratory as part of a predisposition screen in an ostensibly healthy population. It had not been previously curated by ICSL or reported in the Human Gene Mutation Database (HGMD: prior to June 1st, 2018), and was therefore a candidate for classification through an automated scoring system. Utilizing variant allele frequency, disease prevalence and penetrance estimates, and inheritance mode, an automated score was calculated to assess if this variant is too frequent to cause the disease. Based on the score and internal cut-off values, a variant classified as benign is not then subjected to further curation. The score for this variant resulted in a classification of benign for this disease.

Breakthrough Genomics
Classification: Benign. Review status: criteria provided, single submitter. Criteria: ACMG Guidelines, 2015. Collection method: not provided. Allele origin: germline. Inheritance: Autosomal dominant inheritance. Affected: yes.

NM_000423.3(KRT2):c.301A>G (p.Ser101Gly)

Gene: KRT2 (keratin 2; minus strand). Cytogenetic location: 12q13.13.
Variant type: single nucleotide variant.
Coding change: c.301A>G on transcript NM_000423.3 (MANE Select); coding-DNA position 301, A replaced by G.
Protein change: p.Ser101Gly; replaces serine 101 with glycine.
Molecular consequence: missense variant.
Genome position (GRCh38, 1-based): chr12:52,651,842, T>C on the plus strand (A>G on the coding strand, the complement: KRT2 is on the minus strand). VCF-style: chr12-52651842-T-C. GRCh37 (hg19) VCF-style: chr12-53045626-T-C.
Other names: short protein forms S101G.
Identifiers: ClinVar variation 309623 (VCV000309623.16), dbSNP rs2634041, ClinGen allele CA6585888.
Genomic context (GRCh38, chr12:52,651,842, plus strand): 5'-CTCCACCAAAGCCGCCTCCACCGAAACCACCACCACTGAAGCCGCTGCCACCTCCAAAGC[T>C]GCTGCCGCCTCCAAAACCACCTCCTCTGCCACCAAATCCACCAGCGGCGCCAAAGCCACC-3'
Protein context (NP_000414.2, residues 91-111): GRGGGFGGGS[Ser101Gly]FGGGSGFSGG